The following is an entry in ClinVar:

ClinVar aggregate classification (germline): Uncertain significance (1 of 4 stars; one submission).

Allele frequency attached by ClinVar (database versions not stated): ExAC 0.00001; gnomAD exomes 0.00002; TOPMed 0.00002; gnomAD 0.00003; ESP Exome Variant Server 0.00008.
gnomAD v4.1: 37 of 1,599,764 alleles (0.0023%); highest among the groups gnomAD compares: African/African-American, 0.004%; no homozygotes.

Submission:

Labcorp Genetics (formerly Invitae), Labcorp
Classification: Uncertain significance. Last evaluated: 2022-08-22. Review status: criteria provided, single submitter. Criteria: Invitae Variant Classification Sherloc (09022015). Collection method: clinical testing. Allele origin: germline.
Comment: This variant is present in population databases (rs369584568, gnomAD 0.0009%). This sequence change replaces threonine, which is neutral and polar, with methionine, which is neutral and non-polar, at codon 203 of the LAMA5 protein (p.Thr203Met). This variant has not been reported in the literature in individuals affected with LAMA5-related conditions. In summary, the available evidence is currently insufficient to determine the role of this variant in disease. Therefore, it has been classified as a Variant of Uncertain Significance. Algorithms developed to predict the effect of missense changes on protein structure and function are either unavailable or do not agree on the potential impact of this missense change (SIFT: "Deleterious"; PolyPhen-2: "Probably Damaging"; Align-GVGD: "Class C0").

NM_005560.6(LAMA5):c.608C>T (p.Thr203Met)

Gene: LAMA5 (laminin subunit alpha 5; minus strand). Cytogenetic location: 20q13.33.
Variant type: single nucleotide variant.
Coding change: c.608C>T on transcript NM_005560.6 (MANE Select); coding-DNA position 608, C replaced by T.
Protein change: p.Thr203Met; replaces threonine 203 with methionine.
Molecular consequence: missense variant.
Genome position (GRCh38, 1-based): chr20:62,352,321, G>A on the plus strand (C>T on the coding strand, the complement: LAMA5 is on the minus strand). VCF-style: chr20-62352321-G-A. GRCh37 (hg19) VCF-style: chr20-60927377-G-A.
Other names: short protein forms T203M.
Identifiers: ClinVar variation 1929973 (VCV001929973.5), dbSNP rs369584568, ClinGen allele CA9944376.